The following is an entry in ClinVar:

NM_015047.3(EMC1):c.1783-20T>G

Genes: EMC1 (ER membrane protein complex subunit 1; minus strand), EMC1-AS1 (EMC1 antisense RNA 1; plus strand). Cytogenetic location: 1p36.13.
Variant type: single nucleotide variant.
Coding change: c.1783-20T>G on transcript NM_015047.3 (MANE Select); 20 bases into the intron before coding-DNA position 1783, T replaced by G.
Molecular consequence: intron variant.
Genome position (GRCh38, 1-based): chr1:19,231,442, A>C on the plus strand (T>G on the coding strand, the complement: EMC1 is on the minus strand). VCF-style: chr1-19231442-A-C. GRCh37 (hg19) VCF-style: chr1-19557936-A-C.
Other names: c.1717-20T>G (NM_001271429.2); c.1780-20T>G (NM_001271427.2, NM_001271428.2); c.1789-20T>G (NM_001375821.1); c.1792-20T>G (NM_001375820.1).
Identifiers: ClinVar variation 3722263 (VCV003722263.2).

ClinVar aggregate classification (germline): Uncertain significance (1 of 4 stars; one submission).

Submission:

Labcorp Genetics (formerly Invitae), Labcorp
Classification: Uncertain significance. Last evaluated: 2025-07-21. Review status: criteria provided, single submitter. Criteria: Invitae Variant Classification Sherloc (09022015). Collection method: clinical testing. Allele origin: germline.
Comment: This sequence change falls in intron 15 of the EMC1 gene. It does not directly change the encoded amino acid sequence of the EMC1 protein. This variant is not present in population databases (gnomAD no frequency). This variant has not been reported in the literature in individuals affected with EMC1-related conditions. ClinVar contains an entry for this variant (Variation ID: 3722263). Algorithms developed to predict the effect of sequence changes on RNA splicing suggest that this variant may disrupt the consensus splice site. In summary, the available evidence is currently insufficient to determine the role of this variant in disease. Therefore, it has been classified as a Variant of Uncertain Significance.